The following is an entry in ClinVar:

ClinVar aggregate classification (germline): Likely pathogenic (1 of 4 stars; one submission).

Conditions:
Nemaline myopathy 8 (NEM8). Also called: Nemaline myopathy 8, autosomal recessive. Identifiers: Orphanet 171430, MedGen C3809209, MONDO:0014138, OMIM 615348.

Submission:

Labcorp Genetics (formerly Invitae), Labcorp
Classification: Likely pathogenic for Nemaline myopathy 8. Last evaluated: 2024-02-23. Review status: criteria provided, single submitter. Criteria: Invitae Variant Classification Sherloc (09022015). Collection method: clinical testing. Allele origin: germline.
Comment: This sequence change affects a donor splice site in intron 4 of the KLHL40 gene. It is expected to disrupt RNA splicing. Variants that disrupt the donor or acceptor splice site typically lead to a loss of protein function (PMID: 16199547), and loss-of-function variants in KLHL40 are known to be pathogenic (PMID: 23746549). This variant is not present in population databases (gnomAD no frequency). This variant has not been reported in the literature in individuals affected with KLHL40-related conditions. ClinVar contains an entry for this variant (Variation ID: 1510362). Algorithms developed to predict the effect of sequence changes on RNA splicing suggest that this variant may disrupt the consensus splice site. In summary, the currently available evidence indicates that the variant is pathogenic, but additional data are needed to prove that conclusively. Therefore, this variant has been classified as Likely Pathogenic.

Literature cited by the submitters: PubMed 16199547; PubMed 23746549.

NM_152393.4(KLHL40):c.1607+1G>T

Gene: KLHL40 (kelch like family member 40; plus strand). Cytogenetic location: 3p22.1.
Variant type: single nucleotide variant.
Coding change: c.1607+1G>T on transcript NM_152393.4 (MANE Select); the canonical splice donor site of the intron after coding-DNA position 1607, G replaced by T.
Molecular consequence: splice donor variant.
Genome position (GRCh38, 1-based): chr3:42,689,055, G>T. VCF-style: chr3-42689055-G-T. GRCh37 (hg19) VCF-style: chr3-42730547-G-T.
Identifiers: ClinVar variation 1510362 (VCV001510362.6), dbSNP rs2125845625, ClinGen allele CA352295077.